The following is an entry in ClinVar:

NM_002834.5(PTPN11):c.1604G>A (p.Ser535Asn)

Gene: PTPN11 (protein tyrosine phosphatase non-receptor type 11; plus strand). Cytogenetic location: 12q24.13.
Variant type: single nucleotide variant.
Coding change: c.1604G>A on transcript NM_002834.5 (MANE Select); coding-DNA position 1604, G replaced by A.
Protein change: p.Ser535Asn; replaces serine 535 with asparagine.
Molecular consequence: missense variant.
Genome position (GRCh38, 1-based): chr12:112,502,148, G>A. VCF-style: chr12-112502148-G-A. GRCh37 (hg19) VCF-style: chr12-112939952-G-A.
Other names: c.1616G>A, p.Ser539Asn (NM_001330437.2); c.1601G>A, p.Ser534Asn (NM_001374625.1); short protein forms S534N, S539N, S535N.
Identifiers: ClinVar variation 2845856 (VCV002845856.4), dbSNP rs2540476715, ClinGen allele CA386783004.

ClinVar aggregate classification (germline): Uncertain significance. Review status: criteria provided, multiple submitters, no conflicts (2 of 4 stars). 2 submissions from 2 submitters: Uncertain significance (2). Last evaluated 2025-08-12.

Conditions:
Cardiovascular phenotype. Identifiers: MedGen CN230736.
RASopathy. Also called: Noonan spectrum disorder; rasopathies. Identifiers: Orphanet 536391, MedGen C5555857, MONDO:0021060.

Submissions (2):

Ambry Genetics
Classification: Uncertain significance for Cardiovascular phenotype. Last evaluated: 2025-08-12. Review status: criteria provided, single submitter. Criteria: Ambry Variant Classification Scheme 2023. Collection method: clinical testing. Allele origin: germline.
Comment: The p.S535N variant (also known as c.1604G>A), located in coding exon 14 of the PTPN11 gene, results from a G to A substitution at nucleotide position 1604. The serine at codon 535 is replaced by asparagine, an amino acid with highly similar properties. This amino acid position is conserved. In addition, this alteration is predicted to be tolerated by in silico analysis. Based on the available evidence, the clinical significance of this variant remains unclear.

Labcorp Genetics (formerly Invitae), Labcorp
Classification: Uncertain significance for RASopathy. Last evaluated: 2023-03-14. Review status: criteria provided, single submitter. Criteria: Invitae Variant Classification Sherloc (09022015). Collection method: clinical testing. Allele origin: germline.
Comment: In summary, the available evidence is currently insufficient to determine the role of this variant in disease. Therefore, it has been classified as a Variant of Uncertain Significance. Advanced modeling of protein sequence and biophysical properties (such as structural, functional, and spatial information, amino acid conservation, physicochemical variation, residue mobility, and thermodynamic stability) has been performed at Invitae for this missense variant, however the output from this modeling did not meet the statistical confidence thresholds required to predict the impact of this variant on PTPN11 protein function. This variant has not been reported in the literature in individuals affected with PTPN11-related conditions. This variant is not present in population databases (gnomAD no frequency). This sequence change replaces serine, which is neutral and polar, with asparagine, which is neutral and polar, at codon 535 of the PTPN11 protein (p.Ser535Asn).